The following is an entry in ClinVar:

NM_006060.6(IKZF1):c.772T>C (p.Ser258Pro)

Gene: IKZF1 (IKAROS family zinc finger 1; plus strand). Cytogenetic location: 7p12.2.
Variant type: single nucleotide variant.
Coding change: c.772T>C on transcript NM_006060.6 (MANE Select); coding-DNA position 772, T replaced by C.
Protein change: p.Ser258Pro; replaces serine 258 with proline.
Molecular consequence: missense variant. On other transcripts: intron variant (3).
Genome position (GRCh38, 1-based): chr7:50,391,785, T>C. VCF-style: chr7-50391785-T-C. GRCh37 (hg19) VCF-style: chr7-50459483-T-C.
Other names: c.646T>C, p.Ser216Pro (NM_001220765.3, NM_001291837.2); c.511T>C, p.Ser171Pro (NM_001220767.2, NM_001291838.2); c.385T>C, p.Ser129Pro (NM_001220770.2, NM_001291839.2); c.343T>C, p.Ser115Pro (NM_001291841.1, NM_001291842.1); c.217T>C, p.Ser73Pro (NM_001291843.1, NM_001291844.1); c.832T>C, p.Ser278Pro (NM_001410879.1); c.590-8133T>C (NM_001220768.2); c.422-8133T>C (NM_001220771.2); and 1 more; short protein forms S171P, S258P, S115P, S73P, S278P, S129P, S216P.
Identifiers: ClinVar variation 2152031 (VCV002152031.4), dbSNP rs781179064, ClinGen allele CA4261392.

ClinVar aggregate classification (germline): Uncertain significance (1 of 4 stars; one submission).

Allele frequency attached by ClinVar (database versions not stated): gnomAD exomes below 0.00001; ExAC 0.00001; gnomAD 0.00001; TOPMed 0.00001.
gnomAD v4.1: 4 of 1,613,848 alleles (0.00025%); highest among the groups gnomAD compares: Non-Finnish European, 0.00034%; no homozygotes.

Submission:

Labcorp Genetics (formerly Invitae), Labcorp
Classification: Uncertain significance. Last evaluated: 2024-02-19. Review status: criteria provided, single submitter. Criteria: Invitae Variant Classification Sherloc (09022015). Collection method: clinical testing. Allele origin: germline.
Comment: This sequence change replaces serine, which is neutral and polar, with proline, which is neutral and non-polar, at codon 258 of the IKZF1 protein (p.Ser258Pro). This variant is present in population databases (rs781179064, gnomAD 0.002%). This missense change has been observed in individual(s) with acute lymphoblastic leukemia (PMID: 29681510). ClinVar contains an entry for this variant (Variation ID: 2152031). Algorithms developed to predict the effect of variants on protein structure and function are not available or were not evaluated for this variant. Experimental studies have shown that this missense change affects IKZF1 function (PMID: 29681510). In summary, the available evidence is currently insufficient to determine the role of this variant in disease. Therefore, it has been classified as a Variant of Uncertain Significance.

Literature cited by the submitters: PubMed 29681510.